The following is an entry in ClinVar:

ClinVar aggregate classification (germline): Uncertain significance (1 of 4 stars; one submission).

Submission:

GeneDx
Classification: Uncertain significance. Last evaluated: 2026-07-23. Review status: criteria provided, single submitter. Criteria: GeneDx Variant Classification Process June 2021. Collection method: clinical testing. Allele origin: germline.
Comment: Not observed at significant frequency in large population cohorts (gnomAD); In silico analysis suggests that this missense variant does not alter protein structure/function; Has not been previously published as pathogenic or benign to our knowledge

NM_002863.5(PYGL):c.2185G>A (p.Ala729Thr)

Gene: PYGL (glycogen phosphorylase L; minus strand). Cytogenetic location: 14q22.1.
Variant type: single nucleotide variant.
Coding change: c.2185G>A on transcript NM_002863.5 (MANE Select); coding-DNA position 2185, G replaced by A.
Protein change: p.Ala729Thr; replaces alanine 729 with threonine.
Molecular consequence: missense variant.
Genome position (GRCh38, 1-based): chr14:50,908,948, C>T on the plus strand (G>A on the coding strand, the complement: PYGL is on the minus strand). VCF-style: chr14-50908948-C-T. GRCh37 (hg19) VCF-style: chr14-51375666-C-T.
Other names: c.2083G>A, p.Ala695Thr (NM_001163940.2); short protein forms A695T, A729T.
Identifiers: ClinVar variation 1306880 (VCV001306880.3), dbSNP rs2142786759, ClinGen allele CA389681330.